The following is an entry in ClinVar:

NM_001943.5(DSG2):c.1724A>G (p.Asn575Ser)

Gene: DSG2 (desmoglein 2; plus strand). Cytogenetic location: 18q12.1.
Variant type: single nucleotide variant.
Coding change: c.1724A>G on transcript NM_001943.5 (MANE Select); coding-DNA position 1724, A replaced by G.
Protein change: p.Asn575Ser; replaces asparagine 575 with serine.
Molecular consequence: missense variant.
Genome position (GRCh38, 1-based): chr18:31,538,823, A>G. VCF-style: chr18-31538823-A-G. GRCh37 (hg19) VCF-style: chr18-29118786-A-G.
Other names: short protein forms N575S.
Identifiers: ClinVar variation 163213 (VCV000163213.7), dbSNP rs727502988, ClinGen allele CA021535.

ClinVar aggregate classification (germline): Conflicting classifications of pathogenicity. Review status: criteria provided, conflicting classifications (1 of 4 stars). 3 submissions from 3 submitters: Uncertain significance (1); Likely benign (2). Last evaluated 2025-06-30.

Conditions:
Cardiovascular phenotype. Identifiers: MedGen CN230736.
Cardiomyopathy (CMYO). Also called: Cardiomyopathies. Identifiers: Orphanet 167848, MedGen C0878544, MONDO:0004994, HP:0001638. Inheritance: Various modes of inheritance.

Allele frequency attached by ClinVar (database versions not stated): gnomAD exomes below 0.00001.
gnomAD v4.1: 2 of 1,614,170 alleles (0.00012%); highest among the groups gnomAD compares: South Asian, 0.0011%; no homozygotes.

Submissions (3):

Color Diagnostics, LLC DBA Color Health
Classification: Uncertain significance for Cardiomyopathy. Last evaluated: 2025-06-30. Review status: criteria provided, single submitter. Criteria: ACMG Guidelines, 2015. Collection method: clinical testing. Allele origin: germline.
Comment: This missense variant replaces asparagine with serine at codon 575 of the DSG2 protein. Computational prediction suggests that this variant may not impact protein structure and function. To our knowledge, functional studies have not been reported for this variant. This variant has not been reported in individuals affected with DSG2-related disorders in the literature. This variant has not been identified in the general population by the Genome Aggregation Database (gnomAD). The available evidence is insufficient to determine the role of this variant in disease conclusively. Therefore, this variant is classified as a Variant of Uncertain Significance.

Ambry Genetics
Classification: Likely benign for Cardiovascular phenotype. Last evaluated: 2023-03-21. Review status: criteria provided, single submitter. Criteria: Ambry Variant Classification Scheme 2023. Collection method: clinical testing. Allele origin: germline.

Laboratory for Molecular Medicine, Mass General Brigham Personalized Medicine
Classification: Likely benign. Last evaluated: 2014-03-21. Review status: criteria provided, single submitter. Criteria: LMM Criteria. Collection method: clinical testing. Allele origin: germline. Observed: 1 variant allele.
Comment: Asn575Ser in exon 12 of DSG2: This variant is not expected to have clinical sig nificance due to a lack of conservation across species, including mammals. Of no te, >25 mammals have a serine (Ser) at this position despite high nearby amino a cid conservation. Asn575Ser in exon 12 of DSG2 (allele frequency = n/a)